The following is an entry in ClinVar:

ClinVar aggregate classification (germline): Uncertain significance. Review status: criteria provided, multiple submitters, no conflicts (2 of 4 stars). 2 submissions from 2 submitters: Uncertain significance (2). Last evaluated 2026-07-02.

Conditions:
FOXC1-related disorder. Also called: FOXC1-related condition.
Axenfeld-Rieger syndrome type 3 (RIEG3). Also called: AXENFELD-RIEGER ANOMALY WITH CARDIAC DEFECTS AND/OR SENSORINEURAL HEARING LOSS. Identifiers: Orphanet 782, MedGen C2678503, MONDO:0011233, OMIM 602482.

Allele frequency attached by ClinVar (database versions not stated): gnomAD exomes below 0.00001; gnomAD 0.00001 and 0.00002.

Submissions (2):

PreventionGenetics, part of Exact Sciences
Classification: Uncertain significance for FOXC1-related condition. Last evaluated: 2026-07-02. Review status: criteria provided, single submitter. Criteria: ACMG Guidelines, 2015. Collection method: clinical testing. Allele origin: germline.
Comment: The FOXC1 c.1337_1338insTGG variant is predicted to result in an in-frame amino acid insertion (p.Gly456dup). To our knowledge, this variant has not been reported in the literature or in a large population database (gnomAD), indicating this variant is rare. At this time, the clinical significance of this variant is uncertain due to the absence of conclusive functional and genetic evidence.

Labcorp Genetics (formerly Invitae), Labcorp
Classification: Uncertain significance for Axenfeld-Rieger syndrome type 3. Last evaluated: 2022-03-02. Review status: criteria provided, single submitter. Criteria: Invitae Variant Classification Sherloc (09022015). Collection method: clinical testing. Allele origin: germline.
Comment: In summary, the available evidence is currently insufficient to determine the role of this variant in disease. Therefore, it has been classified as a Variant of Uncertain Significance. Experimental studies and prediction algorithms are not available or were not evaluated, and the functional significance of this variant is currently unknown. This variant has not been reported in the literature in individuals affected with FOXC1-related conditions. This variant is not present in population databases (gnomAD no frequency). This variant, c.1337_1338insTGG, results in the insertion of 1 amino acid(s) of the FOXC1 protein (p.Gly456dup), but otherwise preserves the integrity of the reading frame.

NM_001453.3(FOXC1):c.1337_1338insTGG (p.Gly456dup)

Gene: FOXC1 (forkhead box C1; plus strand). Cytogenetic location: 6p25.3.
Variant type: Insertion.
Coding change: c.1337_1338insTGG on transcript NM_001453.3 (MANE Select); coding-DNA positions 1337 to 1338, TGG inserted.
Protein change: p.Gly456dup; duplicates glycine 456.
Molecular consequence: inframe insertion.
Genome position: GRCh38 VCF-style: chr6-1611782-A-ATGG. GRCh37 (hg19) VCF-style: chr6-1612017-A-ATGG.
Other names: c.1337_1338insTGG (NM_001453.2).
Identifiers: ClinVar variation 1502495 (VCV001502495.7), dbSNP rs1762557230, ClinGen allele CA1085284157.
Genomic context (GRCh38, chr6:1,611,782, plus strand): 5'-ACCCCCTGCCCGACTACTCTCTGCCTCCGGTCACCAGCAGCAGCTCGTCGTCCCTGAGTC[A>ATGG]CGGCGGCGGCGGCGGCGGCGGCGGGGGAGGCCAGGAGGCCGGCCACCACCCTGCGGCCCA-3'